The following is an entry in ClinVar:

NM_000334.4(SCN4A):c.4456G>A (p.Gly1486Ser)

Genes: GH-LCR (growth hormone locus control region; plus strand), SCN4A (sodium voltage-gated channel alpha subunit 4; minus strand). Cytogenetic location: 17q23.3.
Variant type: single nucleotide variant.
Coding change: c.4456G>A on transcript NM_000334.4 (MANE Select); coding-DNA position 4456, G replaced by A.
Protein change: p.Gly1486Ser; replaces glycine 1486 with serine.
Molecular consequence: missense variant.
Genome position (GRCh38, 1-based): chr17:63,941,826, C>T on the plus strand (G>A on the coding strand, the complement: SCN4A is on the minus strand). VCF-style: chr17-63941826-C-T. GRCh37 (hg19) VCF-style: chr17-62019186-C-T.
Other names: short protein forms G1486S.
Identifiers: ClinVar variation 2191361 (VCV002191361.4), dbSNP rs2509285089, ClinGen allele CA400615986.
Genomic context (GRCh38, chr17:63,941,826, plus strand): 5'-AGGCAAAGTTGGACATGCCGAAGATGGAGTAGATGAACATGACCAGGAAGAGGAGGAGGC[C>T]GATGTTGAAGAGGGCAGGCAGCGACATCATGAGGGCGAACAGCAGCGTCCGGATGCCCTT-3'
Protein context (NP_000325.4, residues 1476-1496): MMSLPALFNI[Gly1486Ser]LLLFLVMFIY

ClinVar aggregate classification (germline): Uncertain significance (1 of 4 stars; one submission).

Conditions:
Hyperkalemic periodic paralysis. Also called: Familial hyperkalemic periodic paralysis; Gamstorp disease. Identifiers: Orphanet 682, MedGen C0238357, MONDO:0008224, OMIM 170500, HP:0007215.

Allele frequency attached by ClinVar (database versions not stated): gnomAD exomes below 0.00001.
gnomAD v4.1: 4 of 1,614,106 alleles (0.00025%); highest among the groups gnomAD compares: Admixed American, 0.005%; 1 homozygote.

Submission:

Labcorp Genetics (formerly Invitae), Labcorp
Classification: Uncertain significance for Hyperkalemic periodic paralysis. Last evaluated: 2024-10-17. Review status: criteria provided, single submitter. Criteria: Invitae Variant Classification Sherloc (09022015). Collection method: clinical testing. Allele origin: germline.
Comment: This sequence change replaces glycine, which is neutral and non-polar, with serine, which is neutral and polar, at codon 1486 of the SCN4A protein (p.Gly1486Ser). This variant is not present in population databases (gnomAD no frequency). This variant has not been reported in the literature in individuals affected with SCN4A-related conditions. ClinVar contains an entry for this variant (Variation ID: 2191361). Invitae Evidence Modeling of protein sequence and biophysical properties (such as structural, functional, and spatial information, amino acid conservation, physicochemical variation, residue mobility, and thermodynamic stability) indicates that this missense variant is expected to disrupt SCN4A protein function with a positive predictive value of 80%. In summary, the available evidence is currently insufficient to determine the role of this variant in disease. Therefore, it has been classified as a Variant of Uncertain Significance.